The following is an entry in ClinVar:

NM_005359.6(SMAD4):c.772G>T (p.Ala258Ser)

Gene: SMAD4 (SMAD family member 4; plus strand). Cytogenetic location: 18q21.2.
Variant type: single nucleotide variant.
Coding change: c.772G>T on transcript NM_005359.6 (MANE Select); coding-DNA position 772, G replaced by T.
Protein change: p.Ala258Ser; replaces alanine 258 with serine.
Molecular consequence: missense variant.
Genome position (GRCh38, 1-based): chr18:51,058,229, G>T. VCF-style: chr18-51058229-G-T. GRCh37 (hg19) VCF-style: chr18-48584599-G-T.
Other names: short protein forms A258S.
Identifiers: ClinVar variation 1522610 (VCV001522610.7), dbSNP rs2144427660, ClinGen allele CA402463130.

ClinVar aggregate classification (germline): Uncertain significance. Review status: criteria provided, multiple submitters, no conflicts (2 of 4 stars). 2 submissions from 2 submitters: Uncertain significance (2). Last evaluated 2024-03-21.

Conditions:
Juvenile polyposis syndrome (JPS). Identifiers: Orphanet 2929, MedGen C0345893, MONDO:0017380, OMIM 174900.

Submissions (2):

Blueprint Genetics
Classification: Uncertain significance. Last evaluated: 2024-03-21. Review status: criteria provided, single submitter. Criteria: ACMG Guidelines, 2015. Collection method: clinical testing. Allele origin: germline.

Labcorp Genetics (formerly Invitae), Labcorp
Classification: Uncertain significance for Juvenile polyposis syndrome. Last evaluated: 2021-10-04. Review status: criteria provided, single submitter. Criteria: Invitae Variant Classification Sherloc (09022015). Collection method: clinical testing. Allele origin: germline.
Comment: In summary, the available evidence is currently insufficient to determine the role of this variant in disease. Therefore, it has been classified as a Variant of Uncertain Significance. Advanced modeling of protein sequence and biophysical properties (such as structural, functional, and spatial information, amino acid conservation, physicochemical variation, residue mobility, and thermodynamic stability) performed at Invitae indicates that this missense variant is not expected to disrupt SMAD4 protein function. This variant has not been reported in the literature in individuals affected with SMAD4-related conditions. This variant is not present in population databases (ExAC no frequency). This sequence change replaces alanine with serine at codon 258 of the SMAD4 protein (p.Ala258Ser). The alanine residue is moderately conserved and there is a moderate physicochemical difference between alanine and serine.